The following is an entry in ClinVar:

NM_130384.3(ATRIP):c.1843G>A (p.Asp615Asn)

Genes: ATRIP (ATR interacting protein; plus strand), ATRIP-TREX1 (ATRIP-TREX1 readthrough; plus strand). Cytogenetic location: 3p21.31.
Variant type: single nucleotide variant.
Coding change: c.1843G>A on transcript NM_130384.3 (MANE Select); coding-DNA position 1843, G replaced by A.
Protein change: p.Asp615Asn; replaces aspartic acid 615 with asparagine.
Molecular consequence: missense variant. On other transcripts: non-coding transcript variant (1).
Genome position (GRCh38, 1-based): chr3:48,463,842, G>A. VCF-style: chr3-48463842-G-A. GRCh37 (hg19) VCF-style: chr3-48505241-G-A.
Other names: c.1843G>A, p.Asp615Asn (NM_032166.4); c.1462G>A, p.Asp488Asn (NM_001271022.2); c.1564G>A, p.Asp522Asn (NM_001271023.2); short protein forms D522N, D488N, D615N.
Identifiers: ClinVar variation 4644561 (VCV004644561.1).

ClinVar aggregate classification (germline): Uncertain significance (1 of 4 stars; one submission).

Submission:

Ambry Genetics
Classification: Uncertain significance. Last evaluated: 2025-10-26. Review status: criteria provided, single submitter. Criteria: Ambry Variant Classification Scheme 2023. Collection method: clinical testing. Allele origin: germline.
Comment: The p.D615N variant (also known as c.1843G>A), located in coding exon 9 of the ATRIP gene, results from a G to A substitution at nucleotide position 1843. The aspartic acid at codon 615 is replaced by asparagine, an amino acid with highly similar properties. This amino acid position is conserved. In addition, this alteration is predicted to be tolerated by in silico analysis. Based on the available evidence, the clinical significance of this variant remains unclear.